The following is an entry in ClinVar:

NM_001378454.1(ALMS1):c.9112C>T (p.Pro3038Ser)

Gene: ALMS1 (ALMS1 centrosome and basal body associated protein; plus strand). Cytogenetic location: 2p13.1.
Variant type: single nucleotide variant.
Coding change: c.9112C>T on transcript NM_001378454.1 (MANE Select); coding-DNA position 9112, C replaced by T.
Protein change: p.Pro3038Ser; replaces proline 3038 with serine.
Molecular consequence: missense variant.
Genome position (GRCh38, 1-based): chr2:73,491,071, C>T. VCF-style: chr2-73491071-C-T. GRCh37 (hg19) VCF-style: chr2-73718198-C-T.
Other names: c.9115C>T, p.Pro3039Ser (NM_015120.4); short protein forms P3039S, P3038S.
Identifiers: ClinVar variation 556503 (VCV000556503.5), dbSNP rs370622410, ClinGen allele CA50380057.

ClinVar aggregate classification (germline): Uncertain significance. Review status: criteria provided, multiple submitters, no conflicts (2 of 4 stars). 4 submissions from 4 submitters: Uncertain significance (3). 1 of the submissions does not count toward it. Last evaluated 2026-07-22.

Conditions:
Cardiovascular phenotype. Identifiers: MedGen CN230736.
Alstrom syndrome (ALMS). Identifiers: Orphanet 64, MedGen C0268425, MONDO:0008763, OMIM 203800.

Allele frequency attached by ClinVar (database versions not stated): gnomAD exomes below 0.00001; TOPMed 0.00002; gnomAD 0.00003; ESP Exome Variant Server 0.00008.
gnomAD v4.1: 5 of 1,614,082 alleles (0.00031%); highest among the groups gnomAD compares: African/African-American, 0.0067%; no homozygotes.

Submissions (4):

Ambry Genetics
Classification: Uncertain significance for Cardiovascular phenotype. Last evaluated: 2026-07-22. Review status: criteria provided, single submitter. Criteria: Ambry Variant Classification Scheme 2023. Collection method: clinical testing. Allele origin: germline.
Comment: The p.P3039S variant (also known as c.9115C>T), located in coding exon 10 of the ALMS1 gene, results from a C to T substitution at nucleotide position 9115. The proline at codon 3039 is replaced by serine, an amino acid with similar properties. This amino acid position is highly conserved in available vertebrate species. In addition, this alteration is predicted to be tolerated by in silico analysis. Based on the available evidence, the clinical significance of this variant remains unclear.

GeneDx
Classification: Uncertain significance. Last evaluated: 2024-05-22. Review status: criteria provided, single submitter. Criteria: GeneDx Variant Classification Process June 2021. Collection method: clinical testing. Allele origin: germline. Affected: yes.
Comment: Has not been previously published as pathogenic or benign to our knowledge; Not observed at significant frequency in large population cohorts (gnomAD); In silico analysis supports that this missense variant has a deleterious effect on protein structure/function

Fulgent Genetics
Classification: Uncertain significance for Alstrom syndrome. Last evaluated: 2021-07-16. Review status: criteria provided, single submitter. Criteria: ACMG Guidelines, 2015. Collection method: clinical testing. Allele origin: unknown.

Counsyl
Classification: Uncertain significance for Alstrom syndrome. Last evaluated: 2018-02-02. Review status: no assertion criteria provided. Collection method: clinical testing. Allele origin: unknown. Not counted in ClinVar's aggregate classification.